The following is an entry in ClinVar:

ClinVar aggregate classification (germline): Uncertain significance (1 of 4 stars; one submission).

Allele frequency attached by ClinVar (database versions not stated): gnomAD exomes 0.00001; ExAC 0.00002; gnomAD 0.00002; TOPMed 0.00002; 1000 Genomes Project 30x 0.00016; 1000 Genomes Project 0.00020.
gnomAD v4.1: 11 of 1,613,904 alleles (0.00068%); highest among the groups gnomAD compares: East Asian, 0.0045%; no homozygotes.

Submission:

Labcorp Genetics (formerly Invitae), Labcorp
Classification: Uncertain significance. Last evaluated: 2023-12-11. Review status: criteria provided, single submitter. Criteria: Invitae Variant Classification Sherloc (09022015). Collection method: clinical testing. Allele origin: germline.
Comment: This sequence change replaces arginine, which is basic and polar, with glutamine, which is neutral and polar, at codon 162 of the PCYT1A protein (p.Arg162Gln). This variant is present in population databases (rs200813228, gnomAD 0.01%). This variant has not been reported in the literature in individuals affected with PCYT1A-related conditions. ClinVar contains an entry for this variant (Variation ID: 2158558). Algorithms developed to predict the effect of missense changes on protein structure and function output the following: SIFT: "Not Available"; PolyPhen-2: "Benign"; Align-GVGD: "Not Available". The glutamine amino acid residue is found in multiple mammalian species, which suggests that this missense change does not adversely affect protein function. In summary, the available evidence is currently insufficient to determine the role of this variant in disease. Therefore, it has been classified as a Variant of Uncertain Significance.

NM_001312673.2(PCYT1A):c.485G>A (p.Arg162Gln)

Genes: PCYT1A (phosphate cytidylyltransferase 1A, choline; minus strand), LOC126806932 (BRD4-independent group 4 enhancer GRCh37_chr3:195973646-195974845; plus strand). Cytogenetic location: 3q29.
Variant type: single nucleotide variant.
Coding change: c.485G>A on transcript NM_001312673.2 (MANE Select); coding-DNA position 485, G replaced by A.
Protein change: p.Arg162Gln; replaces arginine 162 with glutamine.
Molecular consequence: missense variant.
Genome position (GRCh38, 1-based): chr3:196,247,368, C>T on the plus strand (G>A on the coding strand, the complement: PCYT1A is on the minus strand). VCF-style: chr3-196247368-C-T. GRCh37 (hg19) VCF-style: chr3-195974239-C-T.
Other names: c.485G>A, p.Arg162Gln (NM_005017.4); short protein forms R162Q.
Identifiers: ClinVar variation 2158558 (VCV002158558.2), dbSNP rs200813228, ClinGen allele CA2779519.